The following is an entry in ClinVar:

ClinVar aggregate classification (germline): Uncertain significance (1 of 4 stars; one submission).

gnomAD v4.1: 3 of 1,611,166 alleles (0.00019%); highest among the groups gnomAD compares: South Asian, 0.0022%; no homozygotes.

Submission:

GeneDx
Classification: Uncertain significance. Last evaluated: 2025-03-24. Review status: criteria provided, single submitter. Criteria: GeneDx Variant Classification Process June 2021. Collection method: clinical testing. Allele origin: germline. Affected: yes.
Comment: Not observed at significant frequency in large population cohorts (gnomAD); In silico analysis supports that this missense variant has a deleterious effect on protein structure/function; Has not been previously published as pathogenic or benign to our knowledge

NM_001393769.1(MED12L):c.4436G>A (p.Gly1479Asp)

Genes: MED12L (mediator complex subunit 12L; plus strand), P2RY12 (purinergic receptor P2Y12; minus strand), LOC129937769 (ATAC-STARR-seq lymphoblastoid active region 20701; plus strand). Cytogenetic location: 3q25.1.
Variant type: single nucleotide variant.
Coding change: c.4436G>A on transcript NM_001393769.1 (MANE Select); coding-DNA position 4436, G replaced by A.
Protein change: p.Gly1479Asp; replaces glycine 1479 with aspartic acid.
Molecular consequence: missense variant. On other transcripts: intron variant (1).
Genome position (GRCh38, 1-based): chr3:151,378,131, G>A. VCF-style: chr3-151378131-G-A. GRCh37 (hg19) VCF-style: chr3-151095919-G-A.
Other names: c.-180+6561C>T (NM_022788.5); c.4331G>A, p.Gly1444Asp (NM_053002.6); short protein forms G1444D, G1479D.
Identifiers: ClinVar variation 4088100 (VCV004088100.1).